The following is an entry in ClinVar:

NM_001164508.2(NEB):c.7867G>T (p.Asp2623Tyr)

Gene: NEB (nebulin; minus strand). Cytogenetic location: 2q23.3.
Variant type: single nucleotide variant.
Coding change: c.7867G>T on transcript NM_001164508.2 (MANE Select); coding-DNA position 7867, G replaced by T.
Protein change: p.Asp2623Tyr; replaces aspartic acid 2623 with tyrosine.
Molecular consequence: missense variant.
Genome position (GRCh38, 1-based): chr2:151,643,907, C>A on the plus strand (G>T on the coding strand, the complement: NEB is on the minus strand). VCF-style: chr2-151643907-C-A. GRCh37 (hg19) VCF-style: chr2-152500421-C-A.
Other names: c.7867G>T, p.Asp2623Tyr (NM_001164507.2, NM_001271208.2, NM_004543.5); short protein forms D2623Y.
Identifiers: ClinVar variation 4281373 (VCV004281373.7).

ClinVar aggregate classification (germline): Uncertain significance (1 of 4 stars; one submission).

gnomAD v4.1: 1 of 1,613,940 alleles (0.000062%); highest among the groups gnomAD compares: Non-Finnish European, 0.000085%; no homozygotes.

Submission:

CeGaT Center for Human Genetics Tuebingen
Classification: Uncertain significance. Last evaluated: 2025-09-01. Review status: criteria provided, single submitter. Criteria: CeGaT Center For Human Genetics Tuebingen Variant Classification Criteria Version 2. Collection method: clinical testing. Allele origin: germline. Affected: yes. Observed: 1 variant allele.
Comment: NEB: PM2, BP4